The following is an entry in ClinVar:

ClinVar aggregate classification (germline): Uncertain significance. Review status: criteria provided, multiple submitters, no conflicts (2 of 4 stars). 2 submissions from 2 submitters: Uncertain significance (2). Last evaluated 2024-09-25.

Allele frequency attached by ClinVar (database versions not stated): gnomAD exomes below 0.00001; TOPMed below 0.00001.
gnomAD v4.1: 2 of 1,612,790 alleles (0.00012%); highest among the groups gnomAD compares: Non-Finnish European, 0.00017%; no homozygotes.

Submissions (2):

Ambry Genetics
Classification: Uncertain significance. Last evaluated: 2024-09-25. Review status: criteria provided, single submitter. Criteria: Ambry Variant Classification Scheme 2023. Collection method: clinical testing. Allele origin: germline.

Labcorp Genetics (formerly Invitae), Labcorp
Classification: Uncertain significance. Last evaluated: 2022-06-04. Review status: criteria provided, single submitter. Criteria: Invitae Variant Classification Sherloc (09022015). Collection method: clinical testing. Allele origin: germline.
Comment: Algorithms developed to predict the effect of sequence changes on RNA splicing suggest that this variant may create or strengthen a splice site. In summary, the available evidence is currently insufficient to determine the role of this variant in disease. Therefore, it has been classified as a Variant of Uncertain Significance. Algorithms developed to predict the effect of missense changes on protein structure and function (SIFT, PolyPhen-2, Align-GVGD) all suggest that this variant is likely to be disruptive. This variant has not been reported in the literature in individuals affected with HMCN1-related conditions. This variant is present in population databases (no rsID available, gnomAD 0.0009%). This sequence change replaces aspartic acid, which is acidic and polar, with tyrosine, which is neutral and polar, at codon 2673 of the HMCN1 protein (p.Asp2673Tyr).

NM_031935.3(HMCN1):c.8017G>T (p.Asp2673Tyr)

Gene: HMCN1 (hemicentin 1; plus strand). Cytogenetic location: 1q31.1.
Variant type: single nucleotide variant.
Coding change: c.8017G>T on transcript NM_031935.3 (MANE Select); coding-DNA position 8017, G replaced by T.
Protein change: p.Asp2673Tyr; replaces aspartic acid 2673 with tyrosine.
Molecular consequence: missense variant.
Genome position (GRCh38, 1-based): chr1:186,070,635, G>T. VCF-style: chr1-186070635-G-T. GRCh37 (hg19) VCF-style: chr1-186039767-G-T.
Other names: c.8017G>T (NM_031935.2); short protein forms D2673Y.
Identifiers: ClinVar variation 1917599 (VCV001917599.6), dbSNP rs1265592216, ClinGen allele CA343909799.